The following is an entry in ClinVar:

NM_006361.6(HOXB13):c.365G>T (p.Ser122Ile)

Gene: HOXB13 (homeobox B13; minus strand). Cytogenetic location: 17q21.32.
Variant type: single nucleotide variant.
Coding change: c.365G>T on transcript NM_006361.6 (MANE Select); coding-DNA position 365, G replaced by T.
Protein change: p.Ser122Ile; replaces serine 122 with isoleucine.
Molecular consequence: missense variant.
Genome position (GRCh38, 1-based): chr17:48,728,229, C>A on the plus strand (G>T on the coding strand, the complement: HOXB13 is on the minus strand). VCF-style: chr17-48728229-C-A. GRCh37 (hg19) VCF-style: chr17-46805591-C-A.
Other names: short protein forms S122I.
Identifiers: ClinVar variation 1479746 (VCV001479746.6), dbSNP rs1010890339, ClinGen allele CA400107611.

ClinVar aggregate classification (germline): Uncertain significance (1 of 4 stars; one submission).

Submission:

Labcorp Genetics (formerly Invitae), Labcorp
Classification: Uncertain significance. Last evaluated: 2021-10-07. Review status: criteria provided, single submitter. Criteria: Invitae Variant Classification Sherloc (09022015). Collection method: clinical testing. Allele origin: germline.
Comment: In summary, the available evidence is currently insufficient to determine the role of this variant in disease. Therefore, it has been classified as a Variant of Uncertain Significance. Algorithms developed to predict the effect of missense changes on protein structure and function are either unavailable or do not agree on the potential impact of this missense change (SIFT: "Deleterious"; PolyPhen-2: "Benign"; Align-GVGD: "Class C0"). This variant has not been reported in the literature in individuals affected with HOXB13-related conditions. This variant is not present in population databases (ExAC no frequency). This sequence change replaces serine with isoleucine at codon 122 of the HOXB13 protein (p.Ser122Ile). The serine residue is moderately conserved and there is a large physicochemical difference between serine and isoleucine.